The following is an entry in ClinVar:

ClinVar aggregate classification (germline): Pathogenic (1 of 4 stars; one submission).

Submission:

Labcorp Genetics (formerly Invitae), Labcorp
Classification: Pathogenic. Last evaluated: 2022-12-05. Review status: criteria provided, single submitter. Criteria: Invitae Variant Classification Sherloc (09022015). Collection method: clinical testing. Allele origin: germline.
Comment: For these reasons, this variant has been classified as Pathogenic. This variant has not been reported in the literature in individuals affected with ABCA4-related conditions. This variant is not present in population databases (gnomAD no frequency). This sequence change creates a premature translational stop signal (p.Cys941Valfs*9) in the ABCA4 gene. It is expected to result in an absent or disrupted protein product. Loss-of-function variants in ABCA4 are known to be pathogenic (PMID: 10958761, 24938718, 25312043, 26780318).

Literature cited by the submitters: PubMed 10958761; PubMed 24938718; PubMed 25312043; PubMed 26780318.

NM_000350.3(ABCA4):c.2820del (p.Cys941fs)

Gene: ABCA4 (ATP binding cassette subfamily A member 4; minus strand). Cytogenetic location: 1p22.1.
Variant type: Deletion.
Coding change: c.2820del on transcript NM_000350.3 (MANE Select); coding-DNA position 2820, one base deleted (C; older notation c.2820delC).
Protein change: p.Cys941fs; shifts the reading frame from cysteine 941.
Molecular consequence: frameshift variant.
Genome position (GRCh38, 1-based): chr1:94,047,017, G deleted on the plus strand (C on the coding strand, the reverse complement: ABCA4 is on the minus strand); the first of 3 consecutive G bases (chr1:94,047,017-94,047,019); deleting any one gives the same sequence. VCF-style (leftmost placement, unchanged base first): chr1-94047016-AG-A. GRCh37 (hg19) VCF-style: chr1-94512572-AG-A.
Other names: c.2596delC, p.Cys867Valfs (NM_001425324.1); short protein forms C941fs.
Identifiers: ClinVar variation 2818785 (VCV002818785.3), dbSNP rs2523791122, ClinGen allele CA2739272676.